The following is an entry in ClinVar:

ClinVar aggregate classification (germline): Benign/Likely benign. Review status: criteria provided, multiple submitters, no conflicts (2 of 4 stars). 5 submissions from 5 submitters: Benign (4); Likely benign (1). Last evaluated 2026-02-04.

Conditions:
Pontocerebellar hypoplasia type 2E. Identifiers: Orphanet 247198, MedGen C4014488, MONDO:0014370, OMIM 615851.

Allele frequency attached by ClinVar (database versions not stated): gnomAD exomes 0.16702 and 0.18760; ExAC 0.18626; ESP Exome Variant Server 0.18814; gnomAD 0.19527 and 0.19654; TOPMed 0.20184; 1000 Genomes Project 30x 0.21955; 1000 Genomes Project 0.22105.
gnomAD v4.1: 273,170 of 1,605,226 alleles (17%); highest among the groups gnomAD compares: African/African-American, 26%; 24,733 homozygotes.

Submissions (11):

Labcorp Genetics (formerly Invitae), Labcorp
Classification: Benign. Last evaluated: 2026-02-04. Review status: criteria provided, single submitter. Criteria: Invitae Variant Classification Sherloc (09022015). Collection method: clinical testing. Allele origin: germline.

Blueprint Genetics
Classification: Likely benign. Last evaluated: 2024-11-28. Review status: criteria provided, single submitter. Criteria: ACMG Guidelines, 2015. Collection method: clinical testing. Allele origin: germline.

Genome-Nilou Lab
Classification: Benign for Pontocerebellar hypoplasia type 2E. Last evaluated: 2021-07-14. Review status: criteria provided, single submitter. Criteria: ACMG Guidelines, 2015. Collection method: clinical testing. Allele origin: germline. Affected: no.

GeneDx
Classification: Benign. Last evaluated: 2016-01-20. Review status: criteria provided, single submitter. Criteria: GeneDx Variant Classification (06012015). Collection method: clinical testing. Allele origin: germline. Affected: yes.
Comment: This variant is considered likely benign or benign based on one or more of the following criteria: it is a conservative change, it occurs at a poorly conserved position in the protein, it is predicted to be benign by multiple in silico algorithms, and/or has population frequency not consistent with disease.

Breakthrough Genomics
Classification: Benign. Review status: criteria provided, single submitter. Criteria: ACMG Guidelines, 2015. Collection method: not provided. Allele origin: germline. Inheritance: Autosomal recessive inheritance. Affected: yes.

Dr. Peter K. Rogan Lab, Western University
No classification provided (evidence only). Condition: Familial cancer of breast. Review status: no classification provided. Collection method: in vitro. Allele origin: not applicable. Functional consequence: retained intron. Not counted in ClinVar's aggregate classification.

Dr. Peter K. Rogan Lab, Western University
No classification provided (evidence only). Condition: Familial cancer of breast. Review status: no classification provided. Collection method: in vitro. Allele origin: not applicable. Functional consequence: retained intron. Not counted in ClinVar's aggregate classification.

Dr. Peter K. Rogan Lab, Western University
No classification provided (evidence only). Condition: Familial cancer of breast. Review status: no classification provided. Collection method: in vitro. Allele origin: not applicable. Functional consequence: retained intron. Not counted in ClinVar's aggregate classification.

Dr. Peter K. Rogan Lab, Western University
No classification provided (evidence only). Condition: Familial cancer of breast. Review status: no classification provided. Collection method: in vitro. Allele origin: not applicable. Functional consequence: retained intron. Not counted in ClinVar's aggregate classification.

Dr. Peter K. Rogan Lab, Western University
No classification provided (evidence only). Condition: Malignant lymphoma, large B-cell, diffuse. Review status: no classification provided. Collection method: in vitro. Allele origin: not applicable. Functional consequence: retained intron. Not counted in ClinVar's aggregate classification.

Dr. Peter K. Rogan Lab, Western University
No classification provided (evidence only). Condition: Uterine carcinosarcoma. Review status: no classification provided. Collection method: in vitro. Allele origin: not applicable. Functional consequence: retained intron. Not counted in ClinVar's aggregate classification.

NM_001128159.3(VPS53):c.219-11T>C

Gene: VPS53 (VPS53 subunit of GARP complex; minus strand). Cytogenetic location: 17p13.3.
Variant type: single nucleotide variant.
Coding change: c.219-11T>C on transcript NM_001128159.3 (MANE Select); 11 bases into the intron before coding-DNA position 219, T replaced by C.
Molecular consequence: intron variant.
Genome position (GRCh38, 1-based): chr17:697,495, A>G on the plus strand (T>C on the coding strand, the complement: VPS53 is on the minus strand). VCF-style: chr17-697495-A-G. GRCh37 (hg19) VCF-style: chr17-600735-A-G.
Other names: c.219-11T>C (NM_018289.4, NM_001366253.2); c.-474-11T>C (NM_001366254.2).
Identifiers: ClinVar variation 380877 (VCV000380877.12), dbSNP rs4968100, ClinGen allele CA8261813.